The following is an entry in ClinVar:

NM_001322934.2(NFKB2):c.2279C>T (p.Pro760Leu)

Gene: NFKB2 (nuclear factor kappa B subunit 2; plus strand). Cytogenetic location: 10q24.32.
Variant type: single nucleotide variant.
Coding change: c.2279C>T on transcript NM_001322934.2 (MANE Select); coding-DNA position 2279, C replaced by T.
Protein change: p.Pro760Leu; replaces proline 760 with leucine.
Molecular consequence: missense variant.
Genome position (GRCh38, 1-based): chr10:102,401,504, C>T. VCF-style: chr10-102401504-C-T. GRCh37 (hg19) VCF-style: chr10-104161261-C-T.
Other names: c.2279C>T, p.Pro760Leu (NM_001077494.3, NM_001261403.3, NM_001288724.1 and 1 more transcripts); c.2153C>T, p.Pro718Leu (NM_001322935.1); short protein forms P718L, P760L.
Identifiers: ClinVar variation 4806907 (VCV004806907.1).

ClinVar aggregate classification (germline): Uncertain significance (1 of 4 stars; one submission).

Conditions:
Immunodeficiency, common variable, 10. Also called: DEFICIT IN ANTERIOR PITUITARY FUNCTION AND VARIABLE IMMUNODEFICIENCY; IMMUNODEFICIENCY, COMMON VARIABLE, WITH CENTRAL ADRENAL INSUFFICIENCY. Identifiers: MedGen C3809991, MONDO:0014260, OMIM 615577.

gnomAD v4.1: 15 of 1,613,294 alleles (0.00093%); highest among the groups gnomAD compares: Middle Eastern, 0.017%; no homozygotes.

Submission:

Labcorp Genetics (formerly Invitae), Labcorp
Classification: Uncertain significance for Immunodeficiency, common variable, 10. Last evaluated: 2025-12-08. Review status: criteria provided, single submitter. Criteria: Invitae Variant Classification Sherloc (09022015). Collection method: clinical testing. Allele origin: germline.
Comment: This sequence change replaces proline, which is neutral and non-polar, with leucine, which is neutral and non-polar, at codon 760 of the NFKB2 protein (p.Pro760Leu). This variant is present in population databases (rs759429094, gnomAD 0.009%). This variant has not been reported in the literature in individuals affected with NFKB2-related conditions. An algorithm developed to predict the effect of missense changes on protein structure and function (PolyPhen-2) suggests that this variant is likely to be disruptive. In summary, the available evidence is currently insufficient to determine the role of this variant in disease. Therefore, it has been classified as a Variant of Uncertain Significance.